The following is an entry in ClinVar:

NM_002637.4(PHKA1):c.3523A>G (p.Met1175Val)

Gene: PHKA1 (phosphorylase kinase regulatory subunit alpha 1; minus strand). Cytogenetic location: Xq13.1.
Variant type: single nucleotide variant.
Coding change: c.3523A>G on transcript NM_002637.4 (MANE Select); coding-DNA position 3523, A replaced by G.
Protein change: p.Met1175Val; replaces methionine 1175 with valine.
Molecular consequence: missense variant.
Genome position (GRCh38, 1-based): chrX:72,581,151, T>C on the plus strand (A>G on the coding strand, the complement: PHKA1 is on the minus strand). VCF-style: chrX-72581151-T-C. GRCh37 (hg19) VCF-style: chrX-71801001-T-C.
Other names: c.3484A>G, p.Met1162Val (NM_001122670.2); c.3307A>G, p.Met1103Val (NM_001172436.2); short protein forms M1175V, M1103V, M1162V.
Identifiers: ClinVar variation 368643 (VCV000368643.21), dbSNP rs201573707, ClinGen allele CA10450439.

ClinVar aggregate classification (germline): Benign/Likely benign. Review status: criteria provided, multiple submitters, no conflicts (2 of 4 stars). 8 submissions from 8 submitters: Benign (3); Likely benign (1). 4 of the submissions do not count toward it. Last evaluated 2026-01-25.

Conditions:
Glycogen storage disease IXd (GSD9D). Also called: Muscle Phosphorylase Kinase Deficiency; GSD IXd. Identifiers: Orphanet 715, MedGen C1845151, MONDO:0010362, OMIM 300559.
PHKA1-related disorder. Also called: PHKA1-related condition.

Allele frequency attached by ClinVar (database versions not stated): ESP Exome Variant Server 0.00038; TOPMed 0.00044; gnomAD 0.00063 and 0.00075; gnomAD exomes 0.00096 and 0.00151; 1000 Genomes Project 30x 0.00146; 1000 Genomes Project 0.00159; ExAC 0.00193.

Submissions (8):

Labcorp Genetics (formerly Invitae), Labcorp
Classification: Benign for Glycogen storage disease IXd. Last evaluated: 2026-01-25. Review status: criteria provided, single submitter. Criteria: Invitae Variant Classification Sherloc (09022015). Collection method: clinical testing. Allele origin: germline.

Blueprint Genetics
Classification: Likely benign. Last evaluated: 2024-11-17. Review status: criteria provided, single submitter. Criteria: ACMG Guidelines, 2015. Collection method: clinical testing. Allele origin: germline.

Illumina Laboratory Services, Illumina
Classification: Benign for Glycogen storage disease IXd. Last evaluated: 2018-01-13. Review status: criteria provided, single submitter. Criteria: ICSL Variant Classification Criteria 13 December 2019. Collection method: clinical testing. Allele origin: germline.
Comment: This variant was observed in the ICSL laboratory as part of a predisposition screen in an ostensibly healthy population. It had not been previously curated by ICSL or reported in the Human Gene Mutation Database (HGMD: prior to June 1st, 2018), and was therefore a candidate for classification through an automated scoring system. Utilizing variant allele frequency, disease prevalence and penetrance estimates, and inheritance mode, an automated score was calculated to assess if this variant is too frequent to cause the disease. Based on the score and internal cut-off values, a variant classified as benign is not then subjected to further curation. The score for this variant resulted in a classification of benign for this disease.

GeneDx
Classification: Benign. Last evaluated: 2016-05-31. Review status: criteria provided, single submitter. Criteria: GeneDx Variant Classification (06012015). Collection method: clinical testing. Allele origin: germline. Affected: yes.
Comment: This variant is considered likely benign or benign based on one or more of the following criteria: it is a conservative change, it occurs at a poorly conserved position in the protein, it is predicted to be benign by multiple in silico algorithms, and/or has population frequency not consistent with disease.

PreventionGenetics, part of Exact Sciences
Classification: Benign for PHKA1-related condition. Last evaluated: 2020-12-09. Review status: no assertion criteria provided. Collection method: clinical testing. Allele origin: germline. Not counted in ClinVar's aggregate classification.
Comment: This variant is classified as benign based on ACMG/AMP sequence variant interpretation guidelines (Richards et al. 2015 PMID: 25741868, with internal and published modifications).

Clinical Genetics DNA and cytogenetics Diagnostics Lab, Erasmus MC, Erasmus Medical Center
Classification: Likely benign. Review status: no assertion criteria provided. Collection method: clinical testing. Allele origin: germline. Affected: yes. Study: VKGL Data-share Consensus. Not counted in ClinVar's aggregate classification.

Genome Diagnostics Laboratory, University Medical Center Utrecht
Classification: Benign. Review status: no assertion criteria provided. Collection method: clinical testing. Allele origin: germline. Affected: yes. Study: VKGL Data-share Consensus. Not counted in ClinVar's aggregate classification.

Laboratory of Diagnostic Genome Analysis, Leiden University Medical Center (LUMC)
Classification: Likely benign. Review status: no assertion criteria provided. Collection method: clinical testing. Allele origin: germline. Affected: yes. Study: VKGL Data-share Consensus. Not counted in ClinVar's aggregate classification.